The following is an entry in ClinVar:

NM_015214.3(DDHD2):c.1514T>G (p.Phe505Cys)

Gene: DDHD2 (DDHD domain containing 2; plus strand). Cytogenetic location: 8p11.23.
Variant type: single nucleotide variant.
Coding change: c.1514T>G on transcript NM_015214.3 (MANE Select); coding-DNA position 1514, T replaced by G.
Protein change: p.Phe505Cys; replaces phenylalanine 505 with cysteine.
Molecular consequence: missense variant. On other transcripts: non-coding transcript variant (2).
Genome position (GRCh38, 1-based): chr8:38,252,184, T>G. VCF-style: chr8-38252184-T-G. GRCh37 (hg19) VCF-style: chr8-38109702-T-G.
Other names: c.1514T>G, p.Phe505Cys (NM_001362911.2, NM_001362912.2, NM_001362914.2 and 1 more transcripts); c.1424T>G, p.Phe475Cys (NM_001362913.2); short protein forms F475C, F505C.
Identifiers: ClinVar variation 1056561 (VCV001056561.5), dbSNP rs1396002402, ClinGen allele CA370692123.

ClinVar aggregate classification (germline): Uncertain significance (1 of 4 stars; one submission).

Conditions:
Hereditary spastic paraplegia 54. Also called: Spastic paraplegia 54, autosomal recessive. Identifiers: Orphanet 320380, MedGen C3539495, MONDO:0014018, OMIM 615033.

Allele frequency attached by ClinVar (database versions not stated): gnomAD exomes below 0.00001.
gnomAD v4.1: 6 of 1,614,196 alleles (0.00037%); highest among the groups gnomAD compares: Non-Finnish European, 0.00051%; no homozygotes.

Submission:

Labcorp Genetics (formerly Invitae), Labcorp
Classification: Uncertain significance for Hereditary spastic paraplegia 54. Last evaluated: 2022-07-12. Review status: criteria provided, single submitter. Criteria: Invitae Variant Classification Sherloc (09022015). Collection method: clinical testing. Allele origin: germline.
Comment: This variant is present in population databases (no rsID available, gnomAD 0.0009%). In summary, the available evidence is currently insufficient to determine the role of this variant in disease. Therefore, it has been classified as a Variant of Uncertain Significance. Algorithms developed to predict the effect of missense changes on protein structure and function (SIFT, PolyPhen-2, Align-GVGD) all suggest that this variant is likely to be disruptive. ClinVar contains an entry for this variant (Variation ID: 1056561). This variant has not been reported in the literature in individuals affected with DDHD2-related conditions. This sequence change replaces phenylalanine, which is neutral and non-polar, with cysteine, which is neutral and slightly polar, at codon 505 of the DDHD2 protein (p.Phe505Cys).